The following is an entry in ClinVar:

ClinVar aggregate classification (germline): Uncertain significance (1 of 4 stars; one submission).

gnomAD v4.1: 2 of 1,614,114 alleles (0.00012%); highest among the groups gnomAD compares: Non-Finnish European, 0.00017%; no homozygotes.

Submission:

Labcorp Genetics (formerly Invitae), Labcorp
Classification: Uncertain significance. Last evaluated: 2024-01-23. Review status: criteria provided, single submitter. Criteria: Invitae Variant Classification Sherloc (09022015). Collection method: clinical testing. Allele origin: germline.
Comment: This sequence change replaces aspartic acid, which is acidic and polar, with valine, which is neutral and non-polar, at codon 576 of the POLR3A protein (p.Asp576Val). This variant is present in population databases (no rsID available, gnomAD 0.0009%). This variant has not been reported in the literature in individuals affected with POLR3A-related conditions. Advanced modeling of protein sequence and biophysical properties (such as structural, functional, and spatial information, amino acid conservation, physicochemical variation, residue mobility, and thermodynamic stability) has been performed at Invitae for this missense variant, however the output from this modeling did not meet the statistical confidence thresholds required to predict the impact of this variant on POLR3A protein function. In summary, the available evidence is currently insufficient to determine the role of this variant in disease. Therefore, it has been classified as a Variant of Uncertain Significance.

NM_007055.4(POLR3A):c.1727A>T (p.Asp576Val)

Gene: POLR3A (RNA polymerase III subunit A; minus strand). Cytogenetic location: 10q22.3.
Variant type: single nucleotide variant.
Coding change: c.1727A>T on transcript NM_007055.4 (MANE Select); coding-DNA position 1727, A replaced by T.
Protein change: p.Asp576Val; replaces aspartic acid 576 with valine.
Molecular consequence: missense variant.
Genome position (GRCh38, 1-based): chr10:78,009,907, T>A on the plus strand (A>T on the coding strand, the complement: POLR3A is on the minus strand). VCF-style: chr10-78009907-T-A. GRCh37 (hg19) VCF-style: chr10-79769665-T-A.
Other names: short protein forms D576V.
Identifiers: ClinVar variation 2805381 (VCV002805381.3), dbSNP rs1462341077, ClinGen allele CA377340986.
Genomic context (GRCh38, chr10:78,009,907, plus strand): 5'-ACAACTCCCACACACACCTTTAGGATTGTAGGCGGTGGGAGGCGAACTTTAATTTTCTCA[T>A]CCTTGCCAACCAGTATTGAAGCAATGATTTGGCAAGCCTTGGCTCGATCAAAGAAAGTGT-3'
Protein context (NP_008986.2, residues 566-586): QIIASILVGK[Asp576Val]EKIKVRLPPP